The following is an entry in ClinVar:

ClinVar aggregate classification (germline): Uncertain significance (1 of 4 stars; one submission).

gnomAD v4.1: 1 of 1,613,990 alleles (0.000062%); highest among the groups gnomAD compares: Admixed American, 0.0017%; no homozygotes.

Submission:

Mayo Clinic Laboratories, Mayo Clinic
Classification: Uncertain significance. Last evaluated: 2023-11-21. Review status: criteria provided, single submitter. Criteria: ACMG Guidelines, 2015. Collection method: clinical testing. Allele origin: germline. Observed: 2 variant alleles.
Comment: PM1_supporting, PM2_moderate

NM_000313.4(PROS1):c.56T>G (p.Leu19Arg)

Gene: PROS1 (protein S; minus strand). Cytogenetic location: 3q11.1.
Variant type: single nucleotide variant.
Coding change: c.56T>G on transcript NM_000313.4 (MANE Select); coding-DNA position 56, T replaced by G.
Protein change: p.Leu19Arg; replaces leucine 19 with arginine.
Molecular consequence: missense variant.
Genome position (GRCh38, 1-based): chr3:93,973,694, A>C on the plus strand (T>G on the coding strand, the complement: PROS1 is on the minus strand). VCF-style: chr3-93973694-A-C. GRCh37 (hg19) VCF-style: chr3-93692538-A-C.
Other names: p.Leu19Arg; c.56T>G, p.Leu19Arg (NM_001314077.2); short protein forms L19R.
Identifiers: ClinVar variation 3379480 (VCV003379480.1).